The following is an entry in ClinVar:

ClinVar aggregate classification (germline): Uncertain significance (1 of 4 stars; one submission).

Submission:

Labcorp Genetics (formerly Invitae), Labcorp
Classification: Uncertain significance. Last evaluated: 2023-10-27. Review status: criteria provided, single submitter. Criteria: Invitae Variant Classification Sherloc (09022015). Collection method: clinical testing. Allele origin: germline.
Comment: This variant results in a copy number gain of the genomic region encompassing exon(s) 2 of the SLC7A14 gene. This region includes the initiator codon of the gene. This copy number gain extends beyond the assayed region for this gene and therefore may encompass additional genes. As the precise location of this event is unknown, it may be in tandem or it may be located elsewhere in the genome. This variant has not been reported in the literature in individuals affected with SLC7A14-related conditions. In summary, the available evidence is currently insufficient to determine the role of this variant in disease. Therefore, it has been classified as a Variant of Uncertain Significance.

NC_000003.11:g.(?_170244402)_(170244725_?)dup

Gene: SLC7A14 (solute carrier family 7 member 14; minus strand). Cytogenetic location: 3q26.2.
Variant type: Duplication.
Identifiers: ClinVar variation 2426635 (VCV002426635.4).